The following is an entry in ClinVar:

ClinVar aggregate classification (germline): Uncertain significance. Review status: criteria provided, multiple submitters, no conflicts (2 of 4 stars). 2 submissions from 2 submitters: Uncertain significance (2). Last evaluated 2017-09-01.

Conditions:
Autosomal dominant centronuclear myopathy. Also called: MYOTUBULAR MYOPATHY, AUTOSOMAL DOMINANT; Myopathy, centronuclear, 3. Identifiers: Orphanet 169189, MedGen C4551952, MeSH D020914, MONDO:0008048, OMIM 160150.

Submissions (2):

Baylor Genetics
Classification: Uncertain significance for Autosomal dominant centronuclear myopathy. Last evaluated: 2017-09-01. Review status: criteria provided, single submitter. Criteria: ACMG Guidelines, 2015. Collection method: clinical testing. Allele origin: de novo. Inheritance: Autosomal dominant inheritance. Affected: yes.

CeGaT Center for Human Genetics Tuebingen
Classification: Uncertain significance. Last evaluated: 2016-05-01. Review status: criteria provided, single submitter. Criteria: CeGaT Center For Human Genetics Tuebingen Variant Classification Criteria Version 2. Collection method: clinical testing. Allele origin: germline. Affected: yes. Observed: 1 variant allele.

Literature cited by the submitters: PubMed 25326635 (cited by Baylor Genetics).

NM_001005361.3(DNM2):c.1090C>T (p.Arg364Cys)

Gene: DNM2 (dynamin 2; plus strand). Cytogenetic location: 19p13.2.
Variant type: single nucleotide variant.
Coding change: c.1090C>T on transcript NM_001005361.3 (MANE Select); coding-DNA position 1090, C replaced by T.
Protein change: p.Arg364Cys; replaces arginine 364 with cysteine.
Molecular consequence: missense variant.
Genome position (GRCh38, 1-based): chr19:10,793,817, C>T. VCF-style: chr19-10793817-C-T. GRCh37 (hg19) VCF-style: chr19-10904493-C-T.
Other names: c.1090C>T, p.Arg364Cys (NM_001005360.3, NM_001005362.3, NM_001190716.2 and 1 more transcripts); short protein forms R364C.
Identifiers: ClinVar variation 560989 (VCV000560989.44), dbSNP rs1568304333, ClinGen allele CA404048015.